The following is an entry in ClinVar:

ClinVar aggregate classification (germline): Uncertain significance (1 of 4 stars; one submission).

Conditions:
Autosomal dominant Alport syndrome (ATS3A). Also called: ALPORT SYNDROME 3A, AUTOSOMAL DOMINANT; Alport syndrome dominant type; Renal failure and sensorineural hearing loss. Identifiers: Orphanet 63, Orphanet 88918, MedGen C5882663, MONDO:0007086, OMIM 104200.

gnomAD v4.1: 1 of 1,486,824 alleles (0.000067%); highest among the groups gnomAD compares: South Asian, 0.0011%; no homozygotes.

Submission:

MVZ Medizinische Genetik Mainz
Classification: Uncertain significance for Autosomal dominant Alport syndrome. Last evaluated: 2025-11-20. Review status: criteria provided, single submitter. Criteria: UK Practice Guidelines For Variant Classification V4 01 2020. Collection method: clinical testing. Allele origin: germline. Inheritance: Autosomal dominant inheritance. Affected: yes. Observed: 1 variant allele.
Comment: ACMG Criteria: PM2_SUP,PP3

NM_000091.5(COL4A3):c.1505-49T>G

Genes: MFF-DT (MFF divergent transcript; minus strand), COL4A3 (collagen type IV alpha 3 chain; plus strand). Cytogenetic location: 2q36.3.
Variant type: single nucleotide variant.
Coding change: c.1505-49T>G on transcript NM_000091.5 (MANE Select); 49 bases into the intron before coding-DNA position 1505, T replaced by G.
Molecular consequence: intron variant.
Genome position (GRCh38, 1-based): chr2:227,269,861, T>G. VCF-style: chr2-227269861-T-G. GRCh37 (hg19) VCF-style: chr2-228134577-T-G.
Identifiers: ClinVar variation 4540427 (VCV004540427.1).